The following is an entry in ClinVar:

ClinVar aggregate classification (germline): Pathogenic (1 of 4 stars; one submission).

Conditions:
Imerslund-Grasbeck syndrome. Also called: Megaloblastic anemia due to inborn errors of metabolism; ENTEROCYTE COBALAMIN MALABSORPTION; ENTEROCYTE INTRINSIC FACTOR RECEPTOR, DEFECT OF; PERNICIOUS ANEMIA, JUVENILE, DUE TO SELECTIVE INTESTINAL MALABSORPTION OF VITAMIN B12, WITH PROTEINURIA; Imerslund-Gräsbeck syndrome. Identifiers: Orphanet 35858, MedGen C4551825, MONDO:0009853.

Submission:

Labcorp Genetics (formerly Invitae), Labcorp
Classification: Pathogenic for Imerslund-Grasbeck syndrome. Last evaluated: 2025-06-06. Review status: criteria provided, single submitter. Criteria: Invitae Variant Classification Sherloc (09022015). Collection method: clinical testing. Allele origin: germline.
Comment: This sequence change creates a premature translational stop signal (p.Cys3306Phefs*8) in the CUBN gene. It is expected to result in an absent or disrupted protein product. Loss-of-function variants in CUBN are known to be pathogenic (PMID: 15024727, 22929189, 25349199, 31613795, 34979989). This variant is present in population databases (no rsID available, gnomAD 0.003%). This premature translational stop signal has been observed in individual(s) with proteinuria (PMID: 34610128). For these reasons, this variant has been classified as Pathogenic.

Literature cited by the submitters: PubMed 15024727; PubMed 22929189; PubMed 25349199; PubMed 31613795; PubMed 34979989; PubMed 34610128.

NM_001081.4(CUBN):c.9910_9916dup (p.Cys3306fs)

Gene: CUBN (cubilin; minus strand). Cytogenetic location: 10p13.
Variant type: Duplication.
Coding change: c.9910_9916dup on transcript NM_001081.4 (MANE Select); coding-DNA positions 9910 to 9916, 7 bases duplicated (TCCATCT; older notation c.9910_9916dupTCCATCT).
Protein change: p.Cys3306fs; shifts the reading frame from cysteine 3306.
Molecular consequence: frameshift variant.
Genome position (GRCh38, 1-based): chr10:16,840,446-16,840,452, AGATGGA duplicated on the plus strand (TCCATCT on the coding strand, the reverse complement: CUBN is on the minus strand); duplicating any 7 consecutive bases within chr10:16,840,446-16,840,453 gives the same sequence; the c. name uses the placement nearest the transcript's 3' end. VCF-style (leftmost placement, unchanged base first): chr10-16840445-C-CAGATGGA. GRCh37 (hg19) VCF-style: chr10-16882444-C-CAGATGGA.
Other names: short protein forms C3306fs.
Identifiers: ClinVar variation 4779648 (VCV004779648.1).
Genomic context (GRCh38, chr10:16,840,445, plus strand): 5'-TGTAATGCCCACACAGTTATCTTGACCTGCTGATGCGGAGGGGAATCAATGACCCAAGTA[C>CAGATGGA]AGATGGAAAATGGGACATCTGGGTCTGATGAATTGGGTGATGAAATATTTTGTGGGGTCC-3'